The following is an entry in ClinVar:

NM_014625.4(NPHS2):c.273A>G (p.Glu91=)

Gene: NPHS2 (NPHS2 stomatin family member, podocin; minus strand). Cytogenetic location: 1q25.2.
Variant type: single nucleotide variant.
Coding change: c.273A>G on transcript NM_014625.4 (MANE Select); coding-DNA position 273, A replaced by G.
Protein change: p.Glu91=; no amino-acid change (glutamic acid 91 retained).
Molecular consequence: synonymous variant.
Genome position (GRCh38, 1-based): chr1:179,575,592, T>C on the plus strand (A>G on the coding strand, the complement: NPHS2 is on the minus strand). VCF-style: chr1-179575592-T-C. GRCh37 (hg19) VCF-style: chr1-179544727-T-C.
Other names: c.273A>G, p.Glu91= (NM_001297575.2).
Identifiers: ClinVar variation 2995104 (VCV002995104.1), dbSNP rs746200854, ClinGen allele CA1267284.
Genomic context (GRCh38, chr1:179,575,592, plus strand): 5'-ATCTGACGCCCCTTAGTTACCACCTGGAAAAGTAGCAGATAGTGGTGCTGAATCCGTACC[T>C]TCCTCGGGCCGCTCGCTCTCCAACAGCGCCACCACCTCGGTGCCCTCCTCGCCGGAGCCT-3'
Protein context (NP_055440.1, residues 81-101): VALLESERPE[Glu91=]GTKSSGLGAC

ClinVar aggregate classification (germline): Uncertain significance (1 of 4 stars; one submission).

Allele frequency attached by ClinVar (database versions not stated): gnomAD exomes 0.00001; ExAC 0.00004.
gnomAD v4.1: 5 of 1,601,254 alleles (0.00031%); highest among the groups gnomAD compares: Admixed American, 0.0083%; no homozygotes.

Submission:

Labcorp Genetics (formerly Invitae), Labcorp
Classification: Uncertain significance. Last evaluated: 2023-11-08. Review status: criteria provided, single submitter. Criteria: Invitae Variant Classification Sherloc (09022015). Collection method: clinical testing. Allele origin: germline.
Comment: This sequence change affects codon 91 of the NPHS2 mRNA. It is a 'silent' change, meaning that it does not change the encoded amino acid sequence of the NPHS2 protein. It affects a nucleotide within the consensus splice site. This variant is present in population databases (rs746200854, gnomAD 0.02%). This variant has been observed in individual(s) with nephrotic syndrome (Invitae). In at least one individual the data is consistent with being in trans (on the opposite chromosome) from a pathogenic variant. Algorithms developed to predict the effect of sequence changes on RNA splicing suggest that this variant may disrupt the consensus splice site. In summary, the available evidence is currently insufficient to determine the role of this variant in disease. Therefore, it has been classified as a Variant of Uncertain Significance.